The following is an entry in ClinVar:

NM_012481.5(IKZF3):c.71C>T (p.Ala24Val)

Gene: IKZF3 (IKAROS family zinc finger 3; minus strand). Cytogenetic location: 17q21.1.
Variant type: single nucleotide variant.
Coding change: c.71C>T on transcript NM_012481.5 (MANE Select); coding-DNA position 71, C replaced by T.
Protein change: p.Ala24Val; replaces alanine 24 with valine.
Molecular consequence: missense variant. On other transcripts: 5 prime UTR variant (2), intron variant (2).
Genome position (GRCh38, 1-based): chr17:39,829,479, G>A on the plus strand (C>T on the coding strand, the complement: IKZF3 is on the minus strand). VCF-style: chr17-39829479-G-A. GRCh37 (hg19) VCF-style: chr17-37985732-G-A.
Other names: c.71C>T, p.Ala24Val (NM_001257410.2, NM_001257411.2, NM_001257412.2 and 7 more transcripts); c.-797C>T (NM_001284514.2); c.-629C>T (NM_001284515.2); c.61+2619C>T (NM_001257409.2, NM_001257408.2); c.71C>T (NM_012481.4); short protein forms A24V.
Identifiers: ClinVar variation 2647727 (VCV002647727.25), dbSNP rs61749874, ClinGen allele CA8535717.

ClinVar aggregate classification (germline): Likely benign. Review status: criteria provided, multiple submitters, no conflicts (2 of 4 stars). 2 submissions from 2 submitters: Likely benign (2). Last evaluated 2025-06-25.

Conditions:
IKZF3-related condition.

Allele frequency attached by ClinVar (database versions not stated): 1000 Genomes Project 0.00020; 1000 Genomes Project 30x 0.00031; TOPMed 0.00068; gnomAD 0.00070; ExAC 0.00082; gnomAD exomes 0.00094; ESP Exome Variant Server 0.00115.
gnomAD v4.1: 1,489 of 1,611,378 alleles (0.092%); highest among the groups gnomAD compares: Middle Eastern, 0.28%; 3 homozygotes.

Submissions (2):

PreventionGenetics, part of Exact Sciences
Classification: Likely benign for IKZF3-related condition. Last evaluated: 2025-06-25. Review status: criteria provided, single submitter. Criteria: ACMG Guidelines, 2015. Collection method: clinical testing. Allele origin: germline.
Comment: This variant is classified as likely benign based on ACMG/AMP sequence variant interpretation guidelines (Richards et al. 2015 PMID: 25741868, with internal and published modifications).

CeGaT Center for Human Genetics Tuebingen
Classification: Likely benign. Last evaluated: 2024-04-01. Review status: criteria provided, single submitter. Criteria: CeGaT Center For Human Genetics Tuebingen Variant Classification Criteria Version 2. Collection method: clinical testing. Allele origin: germline. Affected: yes. Observed: 2 variant alleles.
Comment: IKZF3: BP4